The following is an entry in ClinVar:

NM_000303.3(PMM2):c.631A>G (p.Thr211Ala)

Gene: PMM2 (phosphomannomutase 2; plus strand). Cytogenetic location: 16p13.2.
Variant type: single nucleotide variant.
Coding change: c.631A>G on transcript NM_000303.3 (MANE Select); coding-DNA position 631, A replaced by G.
Protein change: p.Thr211Ala; replaces threonine 211 with alanine.
Molecular consequence: missense variant.
Genome position (GRCh38, 1-based): chr16:8,813,098, A>G. VCF-style: chr16-8813098-A-G. GRCh37 (hg19) VCF-style: chr16-8906955-A-G.
Other names: short protein forms T211A.
Identifiers: ClinVar variation 2413373 (VCV002413373.3), dbSNP rs778014016, ClinGen allele CA7894150.
Genomic context (GRCh38, chr16:8,813,098, plus strand): 5'-TACTGTCTGCGACATGTGGAAAATGACGGTTATAAGACCATTTATTTCTTTGGAGACAAA[A>G]CTATGCCAGTAAGTAGAGAAGTGTTTGTGCACCTTCATTGTTGCATTTGCGCTTGATGGG-3'
Protein context (NP_000294.1, residues 201-221): YKTIYFFGDK[Thr211Ala]MPGGNDHEIF

ClinVar aggregate classification (germline): Uncertain significance (1 of 4 stars; one submission).

Conditions:
PMM2-congenital disorder of glycosylation. Also called: CDG Ia; PMM2-CDG; PHOSPHOMANNOMUTASE 2 DEFICIENCY; CARBOHYDRATE-DEFICIENT GLYCOPROTEIN SYNDROME, TYPE Ia; JAEKEN SYNDROME; Congenital disorder of glycosylation, type Ia. Identifiers: Orphanet 79318, MedGen C0349653, MONDO:0008907, OMIM 212065.

Allele frequency attached by ClinVar (database versions not stated): ExAC 0.00001; gnomAD 0.00001; gnomAD exomes 0.00001; TOPMed 0.00001.
gnomAD v4.1: 12 of 1,581,042 alleles (0.00076%); highest among the groups gnomAD compares: Admixed American, 0.0017%; no homozygotes.

Submission:

Labcorp Genetics (formerly Invitae), Labcorp
Classification: Uncertain significance for PMM2-congenital disorder of glycosylation. Last evaluated: 2022-07-12. Review status: criteria provided, single submitter. Criteria: Invitae Variant Classification Sherloc (09022015). Collection method: clinical testing. Allele origin: germline.
Comment: This sequence change replaces threonine, which is neutral and polar, with alanine, which is neutral and non-polar, at codon 211 of the PMM2 protein (p.Thr211Ala). This variant is present in population databases (rs778014016, gnomAD 0.002%). This variant has not been reported in the literature in individuals affected with PMM2-related conditions. Algorithms developed to predict the effect of missense changes on protein structure and function (SIFT, PolyPhen-2, Align-GVGD) all suggest that this variant is likely to be disruptive. In summary, the available evidence is currently insufficient to determine the role of this variant in disease. Therefore, it has been classified as a Variant of Uncertain Significance.